The following is an entry in ClinVar:

ClinVar aggregate classification (germline): Uncertain significance (1 of 4 stars; one submission).

Submission:

Labcorp Genetics (formerly Invitae), Labcorp
Classification: Uncertain significance. Last evaluated: 2022-06-04. Review status: criteria provided, single submitter. Criteria: Invitae Variant Classification Sherloc (09022015). Collection method: clinical testing. Allele origin: germline.
Comment: In summary, the available evidence is currently insufficient to determine the role of this variant in disease. Therefore, it has been classified as a Variant of Uncertain Significance. Algorithms developed to predict the effect of missense changes on protein structure and function (SIFT, PolyPhen-2, Align-GVGD) all suggest that this variant is likely to be tolerated. This variant has not been reported in the literature in individuals affected with KIF11-related conditions. This variant is not present in population databases (gnomAD no frequency). This sequence change replaces isoleucine, which is neutral and non-polar, with phenylalanine, which is neutral and non-polar, at codon 639 of the KIF11 protein (p.Ile639Phe).

NM_004523.4(KIF11):c.1915A>T (p.Ile639Phe)

Gene: KIF11 (kinesin family member 11; plus strand). Cytogenetic location: 10q23.33.
Variant type: single nucleotide variant.
Coding change: c.1915A>T on transcript NM_004523.4 (MANE Select); coding-DNA position 1915, A replaced by T.
Protein change: p.Ile639Phe; replaces isoleucine 639 with phenylalanine.
Molecular consequence: missense variant.
Genome position (GRCh38, 1-based): chr10:92,637,223, A>T. VCF-style: chr10-92637223-A-T. GRCh37 (hg19) VCF-style: chr10-94396980-A-T.
Other names: short protein forms I639F.
Identifiers: ClinVar variation 2054286 (VCV002054286.4), dbSNP rs1174492767, ClinGen allele CA377592993.